The following is an entry in ClinVar:

NM_001370259.2(MEN1):c.164C>G (p.Pro55Arg)

Gene: MEN1 (menin 1; minus strand). Cytogenetic location: 11q13.1.
Variant type: single nucleotide variant.
Coding change: c.164C>G on transcript NM_001370259.2 (MANE Select); coding-DNA position 164, C replaced by G.
Protein change: p.Pro55Arg; replaces proline 55 with arginine.
Molecular consequence: missense variant. On other transcripts: non-coding transcript variant (4).
Genome position (GRCh38, 1-based): chr11:64,809,946, G>C on the plus strand (C>G on the coding strand, the complement: MEN1 is on the minus strand). VCF-style: chr11-64809946-G-C. GRCh37 (hg19) VCF-style: chr11-64577418-G-C.
Other names: c.164C>G, p.Pro55Arg (NM_130802.3, NM_130803.3, NM_130804.3 and 20 more transcripts); short protein forms P55R.
Identifiers: ClinVar variation 4646368 (VCV004646368.2).

ClinVar aggregate classification (germline): Uncertain significance (1 of 4 stars; one submission).

Conditions:
Hereditary cancer-predisposing syndrome. Also called: Neoplastic Syndromes, Hereditary; Tumor predisposition; Hereditary Cancer Syndrome; Hereditary neoplastic syndrome. Identifiers: Orphanet 140162, MedGen C0027672, MeSH D009386, MONDO:0015356.

Submission:

Ambry Genetics
Classification: Uncertain significance for Hereditary cancer-predisposing syndrome. Last evaluated: 2026-04-23. Review status: criteria provided, single submitter. Criteria: Ambry Variant Classification Scheme 2023. Collection method: clinical testing. Allele origin: germline.
Comment: The p.P55R variant (also known as c.164C>G), located in coding exon 1 of the MEN1 gene, results from a C to G substitution at nucleotide position 164. The proline at codon 55 is replaced by arginine, an amino acid with dissimilar properties. This amino acid position is conserved. In addition, this alteration is predicted to be deleterious by in silico analysis. Based on the available evidence, the clinical significance of this variant remains unclear.